The following is an entry in ClinVar:

NM_001393769.1(MED12L):c.2740C>G (p.Leu914Val)

Genes: MED12L (mediator complex subunit 12L; plus strand), P2RY12 (purinergic receptor P2Y12; minus strand). Cytogenetic location: 3q25.1.
Variant type: single nucleotide variant.
Coding change: c.2740C>G on transcript NM_001393769.1 (MANE Select); coding-DNA position 2740, C replaced by G.
Protein change: p.Leu914Val; replaces leucine 914 with valine.
Molecular consequence: missense variant. On other transcripts: intron variant (1).
Genome position (GRCh38, 1-based): chr3:151,357,291, C>G. VCF-style: chr3-151357291-C-G. GRCh37 (hg19) VCF-style: chr3-151075079-C-G.
Other names: c.2635C>G, p.Leu879Val (NM_053002.6); c.-179-16531G>C (NM_022788.5); short protein forms L879V, L914V.
Identifiers: ClinVar variation 4846849 (VCV004846849.1).

ClinVar aggregate classification (germline): Uncertain significance (1 of 4 stars; one submission).

Conditions:
Nizon-Isidor syndrome. Identifiers: MedGen C5394350, MONDO:0030030, OMIM 618872.

Submission:

Laboratorio de Genetica e Diagnostico Molecular, Hospital Israelita Albert Einstein
Classification: Uncertain significance for Nizon-Isidor syndrome. Last evaluated: 2025-07-07. Review status: criteria provided, single submitter. Criteria: ACMG Guidelines, 2015. Collection method: clinical testing. Allele origin: germline. Affected: yes.
Comment: ACMG classification criteria: PM2 supporting